The following is an entry in ClinVar:

NM_030962.4(SBF2):c.1413T>A (p.His471Gln)

Gene: SBF2 (SET binding factor 2; minus strand). Cytogenetic location: 11p15.4.
Variant type: single nucleotide variant.
Coding change: c.1413T>A on transcript NM_030962.4 (MANE Select); coding-DNA position 1413, T replaced by A.
Protein change: p.His471Gln; replaces histidine 471 with glutamine.
Molecular consequence: missense variant.
Genome position (GRCh38, 1-based): chr11:9,968,528, A>T on the plus strand (T>A on the coding strand, the complement: SBF2 is on the minus strand). VCF-style: chr11-9968528-A-T. GRCh37 (hg19) VCF-style: chr11-9990075-A-T.
Other names: c.1413T>A, p.His471Gln (NM_001386339.1); c.1284T>A, p.His428Gln (NM_001386342.1); short protein forms H471Q, H428Q.
Identifiers: ClinVar variation 883828 (VCV000883828.11), dbSNP rs769911496, ClinGen allele CA5881824.

ClinVar aggregate classification (germline): Conflicting classifications of pathogenicity. Review status: criteria provided, conflicting classifications (1 of 4 stars). 4 submissions from 4 submitters: Uncertain significance (3); Likely benign (1). Last evaluated 2025-08-20.

Conditions:
Charcot-Marie-Tooth disease type 4. Also called: Charcot-Marie-Tooth, Type 4; Charcot-Marie-Tooth disease, type IV. Identifiers: Orphanet 64749, MedGen C4082197, MONDO:0018995.
Charcot-Marie-Tooth disease type 4B2. Also called: Charcot-Marie-Tooth Neuropathy Type 4B2; CMT 4B2; CHARCOT-MARIE-TOOTH DISEASE, DEMYELINATING, TYPE 4B2; CHARCOT-MARIE-TOOTH DISEASE, WITH FOCALLY FOLDED MYELIN SHEATHS, AUTOSOMAL RECESSIVE, TYPE 4B2. Identifiers: Orphanet 99956, MedGen C1858278, MONDO:0011475, OMIM 604563.
Inborn genetic diseases. Identifiers: MedGen C0950123, MeSH D030342.

Allele frequency attached by ClinVar (database versions not stated): TOPMed 0.00003.
gnomAD v4.1: 41 of 1,613,818 alleles (0.0025%); highest among the groups gnomAD compares: Non-Finnish European, 0.00034%; 1 homozygote.

Submissions (4):

Athena Diagnostics
Classification: Likely benign. Last evaluated: 2025-08-20. Review status: criteria provided, single submitter. Criteria: Athena Diagnostics Criteria. Collection method: clinical testing. Allele origin: unknown.
Comment: The frequency of this variant in the general population is higher than would generally be expected for pathogenic variants in this gene. Computational tools predict this amino acid change may be benign.

Ambry Genetics
Classification: Uncertain significance for Inborn genetic diseases. Last evaluated: 2022-10-03. Review status: criteria provided, single submitter. Criteria: Ambry Variant Classification Scheme 2023. Collection method: clinical testing. Allele origin: germline.

Labcorp Genetics (formerly Invitae), Labcorp
Classification: Uncertain significance for Charcot-Marie-Tooth disease type 4. Last evaluated: 2022-06-24. Review status: criteria provided, single submitter. Criteria: Invitae Variant Classification Sherloc (09022015). Collection method: clinical testing. Allele origin: germline.
Comment: This sequence change replaces histidine, which is basic and polar, with glutamine, which is neutral and polar, at codon 471 of the SBF2 protein (p.His471Gln). This variant is present in population databases (rs769911496, gnomAD 0.09%). This variant has not been reported in the literature in individuals affected with SBF2-related conditions. ClinVar contains an entry for this variant (Variation ID: 883828). Algorithms developed to predict the effect of missense changes on protein structure and function are either unavailable or do not agree on the potential impact of this missense change (SIFT: "Deleterious"; PolyPhen-2: "Benign"; Align-GVGD: "Class C0"). In summary, the available evidence is currently insufficient to determine the role of this variant in disease. Therefore, it has been classified as a Variant of Uncertain Significance.

Illumina Laboratory Services, Illumina
Classification: Uncertain significance for Charcot-Marie-Tooth disease type 4B2. Last evaluated: 2018-01-12. Review status: criteria provided, single submitter. Criteria: ICSL Variant Classification Criteria 13 December 2019. Collection method: clinical testing. Allele origin: germline.